The following is an entry in ClinVar:

ClinVar aggregate classification (germline): Benign (1 of 4 stars; one submission).

Allele frequency attached by ClinVar (database versions not stated): gnomAD 0.13554 and 0.15056; TOPMed 0.14890; 1000 Genomes Project 30x 0.16209; 1000 Genomes Project 0.16374.
gnomAD v4.1: 23,079 of 152,284 alleles (15%); highest among the groups gnomAD compares: South Asian, 32%; 1,946 homozygotes.

Submission:

GeneDx
Classification: Benign. Last evaluated: 2018-06-16. Review status: criteria provided, single submitter. Criteria: GeneDx Variant Classification (06012015). Collection method: clinical testing. Allele origin: germline. Affected: yes.
Comment: This variant is considered likely benign or benign based on one or more of the following criteria: it is a conservative change, it occurs at a poorly conserved position in the protein, it is predicted to be benign by multiple in silico algorithms, and/or has population frequency not consistent with disease.

NM_018451.5(CPAP):c.444+175T>A

Gene: CPAP (centrosome assembly and centriole elongation protein; minus strand). Cytogenetic location: 13q12.13.
Variant type: single nucleotide variant.
Coding change: c.444+175T>A on transcript NM_018451.5 (MANE Select); 175 bases into the intron after coding-DNA position 444, T replaced by A.
Molecular consequence: intron variant.
Genome position (GRCh38, 1-based): chr13:24,912,407, A>T on the plus strand (T>A on the coding strand, the complement: CPAP is on the minus strand). VCF-style: chr13-24912407-A-T. GRCh37 (hg19) VCF-style: chr13-25486545-A-T.
Identifiers: ClinVar variation 680293 (VCV000680293.1), dbSNP rs9581200, ClinGen allele CA247087773.
Genomic context (GRCh38, chr13:24,912,407, plus strand): 5'-CTAATACTTGATCAACCATTTCTTACTTTTCGCCAAATGAGGTAACAACTTAAAGTTATT[A>T]TAAGTGCTAATTAAACACACTTAAATGTTTCACATTAGACAAAGGGCAAAATCTGGTATT-3'